The following is an entry in ClinVar:

ClinVar aggregate classification (germline): Pathogenic (1 of 4 stars; one submission).

Conditions:
Coffin-Siris syndrome 1 (CSS1). Also called: ARID1B-Related Coffin-Siris Syndrome; Mental retardation, autosomal dominant 12. Identifiers: Orphanet 1465, MedGen C3281201, MONDO:0007617, OMIM 135900. Disease mechanism: gain of function.

Submission:

Victorian Clinical Genetics Services, Murdoch Childrens Research Institute
Classification: Pathogenic for Coffin-Siris syndrome 1. Last evaluated: 2024-10-08. Review status: criteria provided, single submitter. Criteria: ACMG Guidelines, 2015. Collection method: clinical testing. Allele origin: germline. Inheritance: Autosomal dominant inheritance. Affected: yes.
Comment: Based on the classification scheme VCGS_Germline_v1.3.4, this variant is classified as Pathogenic. Following criteria are met: 0102 - Loss of function is a known mechanism of disease in this gene and is associated with Coffin-Siris syndrome 1 (MIM#135900). (I) 0107 - This gene is associated with autosomal dominant disease. (I) 0115 - Variants in this gene are known to have variable expressivity (PMID: 33768696). (I) 0201 - Variant is predicted to cause nonsense-mediated decay (NMD) and loss of protein (premature termination codon is located at least 54 nucleotides upstream of the final exon-exon junction). (SP) 0251 - This variant is heterozygous. (I) 0301 - Variant is absent from gnomAD (both v2 and v3). (SP) 0701 - Other NMD-predicted variants comparable to the one identified in this case have very strong previous evidence for pathogenicity (DECIPHER). (SP) 0807 - This variant has no previous evidence of pathogenicity. (I) 0905 - No published segregation evidence has been identified for this variant. (I) 1007 - No published functional evidence has been identified for this variant. (SP) Legend: (SP) - Supporting pathogenic, (I) - Information, (SB) - Supporting benign

Literature cited by the submitters: PubMed 33768696.

NM_001374828.1(ARID1B):c.1278_1308del (p.Ala431fs)

Gene: ARID1B (AT-rich interaction domain 1B; plus strand). Cytogenetic location: 6q25.3.
Variant type: Deletion.
Coding change: c.1278_1308del on transcript NM_001374828.1 (MANE Select); coding-DNA positions 1278 to 1308, 31 bases deleted.
Protein change: p.Ala431fs; shifts the reading frame from alanine 431.
Molecular consequence: frameshift variant.
Genome position (GRCh38, 1-based): chr6:156,778,958-156,778,988, 31 bases deleted; deleting any 31 consecutive bases within chr6:156,778,952-156,778,988 gives the same sequence; the c. name uses the placement nearest the transcript's 3' end. GRCh37 (hg19): chr6:157,100,092-157,100,122.
Other names: c.1278_1308del, p.Ala431fs (NM_001371656.1, NM_001374820.1, NM_017519.3); short protein forms A431fs.
Identifiers: ClinVar variation 3377138 (VCV003377138.1).